The following is an entry in ClinVar:

NM_001204375.2(NPR3):c.-250C>A

Gene: NPR3 (natriuretic peptide receptor 3; plus strand). Cytogenetic location: 5p13.3.
Variant type: single nucleotide variant.
Coding change: c.-250C>A on transcript NM_001204375.2 (MANE Select); 250 bases upstream of the start codon, C replaced by A.
Molecular consequence: 5 prime UTR variant. On other transcripts: intron variant (4).
Genome position (GRCh38, 1-based): chr5:32,711,527, C>A. VCF-style: chr5-32711527-C-A. GRCh37 (hg19) VCF-style: chr5-32711633-C-A.
Other names: c.-250C>A (NM_000908.4); c.50-13171C>A (NM_001364458.2); c.121+744C>A (NM_001363652.2, NM_001204376.2, NM_001364460.2).
Identifiers: ClinVar variation 1177755 (VCV001177755.3), dbSNP rs9716700, ClinGen allele CA16224130.

ClinVar aggregate classification (germline): Benign. Review status: criteria provided, multiple submitters, no conflicts (2 of 4 stars). 2 submissions from 2 submitters: Benign (2). Last evaluated 2021-05-14.

Allele frequency attached by ClinVar (database versions not stated): 1000 Genomes Project 0.06749; 1000 Genomes Project 30x 0.06949; TOPMed 0.12671; gnomAD 0.13161 and 0.13580.
gnomAD v4.1: 210,458 of 1,199,638 alleles (18%); highest among the groups gnomAD compares: Non-Finnish European, 19%; 20,208 homozygotes.

Submissions (2):

GeneDx
Classification: Benign. Last evaluated: 2021-05-14. Review status: criteria provided, single submitter. Criteria: GeneDx Variant Classification Process June 2021. Collection method: clinical testing. Allele origin: germline. Affected: yes.
Comment: This variant is associated with the following publications: (PMID: 10489108)

Breakthrough Genomics
Classification: Benign. Review status: criteria provided, single submitter. Criteria: ACMG Guidelines, 2015. Collection method: not provided. Allele origin: germline. Inheritance: Autosomal recessive inheritance. Affected: yes.